The following is an entry in ClinVar:

ClinVar aggregate classification (germline): Pathogenic/Likely pathogenic. Review status: criteria provided, multiple submitters, no conflicts (2 of 4 stars). 10 submissions from 10 submitters: Pathogenic (8); Likely pathogenic (1). 1 of the submissions does not count toward it. Last evaluated 2025-10-12.

Conditions:
SDHB-related disorder. Also called: SDHB-related condition; SDHB-related disorders. Identifiers: MedGen CN239418.
Pheochromocytoma. Also called: MAX-Related Hereditary Paraganglioma-Pheochromocytoma Syndrome. Identifiers: Orphanet 29072, MedGen C0031511, MONDO:0008233, OMIM 171300, HP:0002666.
Pheochromocytoma/paraganglioma syndrome 4. Also called: CAROTID BODY TUMORS AND MULTIPLE EXTRAADRENAL PHEOCHROMOCYTOMAS; PARAGANGLIOMA, FAMILIAL MALIGNANT; PARAGANGLIOMAS, HEREDITARY EXTRAADRENAL; PHEOCHROMOCYTOMA, FAMILIAL EXTRAADRENAL; SDHB-Related Hereditary Paraganglioma-Pheochromocytoma Syndrome (Paragangliomas 4); SDHB-Related Hereditary Paraganglioma-Pheochromocytoma Syndrome. Identifiers: Orphanet 29072, MedGen C1861848, MONDO:0007273, OMIM 115310.
Gastrointestinal stromal tumor. Also called: Gastrointestinal stromal tumor, somatic; Gastrointestinal stroma tumor. Identifiers: Orphanet 44890, MedGen C0238198, MeSH D046152, MONDO:0011719, OMIM 606764, HP:0100723.
Hereditary cancer-predisposing syndrome. Also called: Hereditary neoplastic syndrome; Tumor predisposition; Neoplastic Syndromes, Hereditary; Hereditary Cancer Syndrome. Identifiers: Orphanet 140162, MedGen C0027672, MeSH D009386, MONDO:0015356.

gnomAD v4.1: 10 of 1,614,014 alleles (0.00062%); highest among the groups gnomAD compares: Non-Finnish European, 0.00068%; no homozygotes.

Submissions (10):

GeneDx
Classification: Pathogenic. Last evaluated: 2025-10-12. Review status: criteria provided, single submitter. Criteria: GeneDx Variant Classification Process June 2021. Collection method: clinical testing. Allele origin: germline.
Comment: Published functional studies demonstrate intermediate SDH activity (PMID: 23175444); Not observed at significant frequency in large population cohorts (gnomAD); In silico analysis supports that this missense variant has a deleterious effect on protein structure/function; Also known as p.(R214C); This variant is associated with the following publications: (PMID: 33087929, 22517554, 15235042, 30217213, 29386252, 23072324, 17102086, 19802898, 19351833, 19454582, 34906457, 33219105, 38815921, 39020067, 24606901, 26464466, 23175444)

Labcorp Genetics (formerly Invitae), Labcorp
Classification: Pathogenic for Gastrointestinal stromal tumor; Pheochromocytoma/paraganglioma syndrome 4; Pheochromocytoma. Last evaluated: 2025-03-13. Review status: criteria provided, single submitter. Criteria: Invitae Variant Classification Sherloc (09022015). Collection method: clinical testing. Allele origin: germline.
Comment: This sequence change replaces arginine, which is basic and polar, with cysteine, which is neutral and slightly polar, at codon 242 of the SDHB protein (p.Arg242Cys). This variant is not present in population databases (gnomAD no frequency). This missense change has been observed in individuals with hereditary paraganglioma or pheochromocytoma (PMID: 15235042, 17102086, 19351833, 19802898, 22517554). ClinVar contains an entry for this variant (Variation ID: 186827). Invitae Evidence Modeling of protein sequence and biophysical properties (such as structural, functional, and spatial information, amino acid conservation, physicochemical variation, residue mobility, and thermodynamic stability) indicates that this missense variant is expected to disrupt SDHB protein function with a positive predictive value of 80%. This variant disrupts the p.Arg242 amino acid residue in SDHB. Other variant(s) that disrupt this residue have been determined to be pathogenic (PMID: 12000816, 19351833, 20208144). This suggests that this residue is clinically significant, and that variants that disrupt this residue are likely to be disease-causing. For these reasons, this variant has been classified as Pathogenic.

Division of Genetic & Genomic Pathology, Hong Kong Children's Hospital
Classification: Pathogenic for Pheochromocytoma/paraganglioma syndrome 4. Last evaluated: 2024-08-23. Review status: criteria provided, single submitter. Criteria: ACMG Guidelines, 2015. Collection method: clinical testing. Allele origin: germline. Affected: yes.
Comment: The SDHB:c.724C>T p.(Arg242Cys) is a missense variant located in exon 7 of the SDHB gene. The variant is absent in population controls (gnomAD v3.1.2 non-cancer, gnomAD v2.1.1). It has been reported in ClinVar as pathogenic by multiple submitters (VCV000186827.39). Multiple in-silico algorithms predicted that this variant is deleterious. Functional studies suggest that SDHB p.(Arg242Cys) affects normal protein function (PMID: 26719882, 23175444). The variant has been reported in several individuals and families affected with hereditary paragangliomas and/or pheochromocytomas (PMID: 15235042, 17102086, 19351833, 19802898, 22517554). For these reasons, this variant is classified as pathogenic.

Ambry Genetics
Classification: Pathogenic for Hereditary cancer-predisposing syndrome. Last evaluated: 2023-11-02. Review status: criteria provided, single submitter. Criteria: Ambry Variant Classification Scheme 2023. Collection method: clinical testing. Allele origin: germline.
Comment: The p.R242C pathogenic mutation (also known as c.724C>T), located in coding exon 7 of the SDHB gene, results from a C to T substitution at nucleotide position 724. The arginine at codon 242 is replaced by cysteine, an amino acid with highly dissimilar properties. This alteration has been identified in numerous individuals with sporadic and familial paragangliomas/pheochromocytomas (Badenhop RF et al. J. Med. Genet. 2004 Jul;41(7):e99; Schiavi F et al. Ann. N. Y. Acad. Sci. 2006 Aug;1073:190-7; Burnichon N et al. J. Clin. Endocrinol. Metab. 2009 Aug; 94(8):2817-27; Lefebvre S et al. Horm. Metab. Res. 2012 May;44(5):334-8; Jafri M et al. Clin. Endocrinol. (Oxf). 2013 Jun;78(6):898-906; Andrews KA et al. J. Med. Genet. 2018 Jun;55(6):384-394). A functional study utilizing a yeast growth assay classified this alteration as a "mildly impaired mutation" after finding that analogous yeast p.R242C mutants were able to partially rescue oxidative cell growth but had significantly decreased SDH enzyme activity (Panizza E et al. Hum. Mol. Genet. 2013 Feb; 22(4):804-15). This amino acid position is highly conserved in available vertebrate species. In addition, this alteration is predicted to be deleterious by in silico analysis. This variant is considered to be rare based on population cohorts in the Genome Aggregation Database (gnomAD). Based on the supporting evidence, this alteration is interpreted as a disease-causing mutation.

Baylor Genetics
Classification: Pathogenic for Gastrointestinal stromal tumor. Last evaluated: 2023-06-23. Review status: criteria provided, single submitter. Criteria: ACMG Guidelines, 2015. Collection method: clinical testing. Allele origin: unknown.

Blueprint Genetics
Classification: Pathogenic for SDHB-related disorders. Last evaluated: 2023-05-08. Review status: criteria provided, single submitter. Criteria: ACMG Guidelines, 2015. Collection method: clinical testing. Allele origin: germline. Affected: yes. Observed: 1 variant allele.

Myriad Genetics, Inc.
Classification: Likely pathogenic for Pheochromocytoma/paraganglioma syndrome 4. Last evaluated: 2023-04-18. Review status: criteria provided, single submitter. Criteria: Myriad Autosomal Dominant, Autosomal Recessive and X-Linked Classification Criteria (2023). Collection method: clinical testing. Allele origin: unknown.
Comment: This variant is considered likely pathogenic. This variant has been reported in multiple individuals with clinical features of gene-specific disease [PMID:19454582, 31194233, 17102086, 32035780, 30201732]. Functional studies indicate this variant impacts protein function [PMID: 26719882]. This variant is expected to disrupt protein structure [Myriad internal data].

CeGaT Center for Human Genetics Tuebingen
Classification: Pathogenic. Last evaluated: 2016-10-01. Review status: criteria provided, single submitter. Criteria: CeGaT Center For Human Genetics Tuebingen Variant Classification Criteria Version 2. Collection method: clinical testing. Allele origin: germline. Affected: yes. Observed: 1 variant allele.

Juno Genomics, Hangzhou Juno Genomics, Inc
Classification: Pathogenic for Pheochromocytoma. Review status: criteria provided, single submitter. Criteria: ACMG Guidelines, 2015. Collection method: clinical testing. Allele origin: germline.
Comment: Absent from controls (or at extremely low frequency if recessive) in Genome Aggregation Database.;Multiple lines of computational evidence support a deleterious effect on the gene or gene product.;Novel missense change at an amino acid residue where a different missense change determined to be pathogenic has been seen before.;Well-established in vitro or in vivo functional studies supportive of a damaging effect on the gene or gene product.;The prevalence of the variant in affected individuals is significantly increased compared to the prevalence in controls.;Patient's phenotype or family history is highly specific for a disease with a single genetic etiology.

PreventionGenetics, part of Exact Sciences
Classification: Pathogenic for SDHB-related condition. Last evaluated: 2023-12-06. Review status: no assertion criteria provided. Collection method: clinical testing. Allele origin: germline. Not counted in ClinVar's aggregate classification.
Comment: The SDHB c.724C>T variant is predicted to result in the amino acid substitution p.Arg242Cys. This variant has been reported in multiple individuals with pheochromocytoma or paraganglioma (Lefebvre et al. 2012. PubMed ID: 22517554; Table S2, Garrett et al. 2022. PubMed ID: 34906457; Kim et al. 2022. PubMed ID: 33219105). Functional studies in yeast found this variant has a mild impact on SDHB function (Panizza et al. 2013. PubMed ID: 23175444). This variant has not been reported in a large population database, indicating this variant is rare. Additionally, different missense variants (p.Arg242His, p.Arg242Ser) affecting this amino acid have been documented as pathogenic (Table S2, Garrett et al. 2022. PubMed ID: 34906457). This variant is interpreted as pathogenic.

Literature cited by the submitters: PubMed 15235042 (cited by 3 submitters); PubMed 17102086 (cited by 4 submitters); PubMed 19351833 (cited by Labcorp Genetics (formerly Invitae), Labcorp and Division of Genetic & Genomic Pathology, Hong Kong Children's Hospital); PubMed 19802898 (cited by Labcorp Genetics (formerly Invitae), Labcorp and Division of Genetic & Genomic Pathology, Hong Kong Children's Hospital); PubMed 22517554 (cited by 3 submitters); PubMed 12000816 (cited by Labcorp Genetics (formerly Invitae), Labcorp); PubMed 20208144 (cited by Labcorp Genetics (formerly Invitae), Labcorp); PubMed 26719882 (cited by Division of Genetic & Genomic Pathology, Hong Kong Children's Hospital and Myriad Genetics, Inc.); PubMed 23175444 (cited by Division of Genetic & Genomic Pathology, Hong Kong Children's Hospital and Ambry Genetics); PubMed 17376234 (cited by Ambry Genetics); PubMed 19454582 (cited by Ambry Genetics and Myriad Genetics, Inc.); PubMed 23072324 (cited by Ambry Genetics); PubMed 29386252 (cited by Ambry Genetics); PubMed 30217213 (cited by Ambry Genetics); PubMed 31194233 (cited by Myriad Genetics, Inc.); PubMed 32035780 (cited by Myriad Genetics, Inc.); PubMed 30201732 (cited by Myriad Genetics, Inc.).

NM_003000.3(SDHB):c.724C>T (p.Arg242Cys)

Gene: SDHB (succinate dehydrogenase complex iron sulfur subunit B; minus strand). Cytogenetic location: 1p36.13.
Variant type: single nucleotide variant.
Coding change: c.724C>T on transcript NM_003000.3 (MANE Select); coding-DNA position 724, C replaced by T.
Protein change: p.Arg242Cys; replaces arginine 242 with cysteine.
Molecular consequence: missense variant.
Genome position (GRCh38, 1-based): chr1:17,022,649, G>A on the plus strand (C>T on the coding strand, the complement: SDHB is on the minus strand). VCF-style: chr1-17022649-G-A. GRCh37 (hg19) VCF-style: chr1-17349144-G-A.
Other names: short protein forms R242C.
Identifiers: ClinVar variation 186827 (VCV000186827.62), dbSNP rs786203251, ClinGen allele CA016155.